The following is an entry in ClinVar:

ClinVar aggregate classification (germline): Pathogenic (1 of 4 stars; one submission).

Conditions:
Growth hormone insensitivity with immune dysregulation 1, autosomal recessive. Also called: GROWTH HORMONE INSENSITIVITY DUE TO POSTRECEPTOR DEFECT; LARON SYNDROME DUE TO POSTRECEPTOR DEFECT; Laron syndrome with immunodeficiency; GROWTH HORMONE INSENSITIVITY SYNDROME WITH IMMUNE DYSREGULATION 1, AUTOSOMAL RECESSIVE. Identifiers: Orphanet 220465, MedGen C5435698, MONDO:0100211, OMIM 245590.

Submission:

Women's Health and Genetics/Laboratory Corporation of America, LabCorp
Classification: Pathogenic for Growth hormone insensitivity with immune dysregulation 1, autosomal recessive. Last evaluated: 2026-05-07. Review status: criteria provided, single submitter. Criteria: LabCorp Variant Classification Summary - May 2015. Collection method: clinical testing. Allele origin: germline.
Comment: Variant summary: STAT5B c.1500_1501dupCA (p.Lys501ThrfsX14) results in a premature termination codon, predicted to cause a truncation of the encoded protein or absence of the protein due to nonsense mediated decay, which are commonly known mechanisms for disease. The variant was absent in 251488 control chromosomes. To our knowledge, no occurrence of c.1500_1501dupCA in individuals affected with STAT5B-related conditions and no experimental evidence demonstrating its impact on protein function have been reported. No submitters have cited clinical-significance assessments for this variant to ClinVar. Based on the evidence outlined above, the variant was classified as pathogenic.

NM_012448.4(STAT5B):c.1500_1501dup (p.Lys501fs)

Gene: STAT5B (signal transducer and activator of transcription 5B; minus strand). Cytogenetic location: 17q21.2.
Variant type: Duplication.
Coding change: c.1500_1501dup on transcript NM_012448.4 (MANE Select); coding-DNA positions 1500 to 1501, 2 bases duplicated (CA; older notation c.1500_1501dupCA).
Protein change: p.Lys501fs; shifts the reading frame from lysine 501.
Molecular consequence: frameshift variant.
Genome position (GRCh38, 1-based): chr17:42,212,163-42,212,164, TG duplicated on the plus strand (CA on the coding strand, the reverse complement: STAT5B is on the minus strand); duplicating any 2 consecutive bases within chr17:42,212,163-42,212,165 gives the same sequence; the c. name uses the placement nearest the transcript's 3' end. VCF-style (leftmost placement, unchanged base first): chr17-42212162-T-TTG. GRCh37 (hg19) VCF-style: chr17-40364180-T-TTG.
Other names: c.1500_1501dupCA (NM_012448.4); short protein forms K501fs.
Identifiers: ClinVar variation 4853469 (VCV004853469.1).
Genomic context (GRCh38, chr17:42,212,162, plus strand): 5'-CTCTGCACTTCGGCCTTGAATTTCATGTTGAGCGCCTCACACAGCTGTGGCCACAGCACT[T>TTG]TGTCAGGCACGGCAAATGGCACCCTGCCCTGAGAGGGAGAGAGGCCAGAATCTGATGAGA-3'